The following is an entry in ClinVar:

NM_004371.4(COPA):c.3518A>G (p.Tyr1173Cys)

Gene: COPA (coat protein complex I subunit alpha; minus strand). Cytogenetic location: 1q23.2.
Variant type: single nucleotide variant.
Coding change: c.3518A>G on transcript NM_004371.4 (MANE Select); coding-DNA position 3518, A replaced by G.
Protein change: p.Tyr1173Cys; replaces tyrosine 1173 with cysteine.
Molecular consequence: missense variant.
Genome position (GRCh38, 1-based): chr1:160,290,589, T>C on the plus strand (A>G on the coding strand, the complement: COPA is on the minus strand). VCF-style: chr1-160290589-T-C. GRCh37 (hg19) VCF-style: chr1-160260379-T-C.
Other names: c.3545A>G, p.Tyr1182Cys (NM_001098398.2); short protein forms Y1173C, Y1182C.
Identifiers: ClinVar variation 2078697 (VCV002078697.4), dbSNP rs1460107280, ClinGen allele CA343269147.

ClinVar aggregate classification (germline): Uncertain significance (1 of 4 stars; one submission).

Conditions:
Autoimmune interstitial lung disease-arthritis syndrome. Also called: Autoinflammation and autoimmunity, systemic, with immune dysregulation. Identifiers: Orphanet 444092, MedGen C5975714, MONDO:0014629.

Allele frequency attached by ClinVar (database versions not stated): TOPMed below 0.00001; gnomAD exomes 0.00001.

Submission:

Labcorp Genetics (formerly Invitae), Labcorp
Classification: Uncertain significance for Autoimmune interstitial lung disease-arthritis syndrome. Last evaluated: 2025-07-06. Review status: criteria provided, single submitter. Criteria: Invitae Variant Classification Sherloc (09022015). Collection method: clinical testing. Allele origin: germline.
Comment: This sequence change replaces tyrosine, which is neutral and polar, with cysteine, which is neutral and slightly polar, at codon 1173 of the COPA protein (p.Tyr1173Cys). This variant is not present in population databases (gnomAD no frequency). This variant has not been reported in the literature in individuals affected with COPA-related conditions. ClinVar contains an entry for this variant (Variation ID: 2078697). Invitae Evidence Modeling of protein sequence and biophysical properties (such as structural, functional, and spatial information, amino acid conservation, physicochemical variation, residue mobility, and thermodynamic stability) indicates that this missense variant is expected to disrupt COPA protein function with a positive predictive value of 80%. In summary, the available evidence is currently insufficient to determine the role of this variant in disease. Therefore, it has been classified as a Variant of Uncertain Significance.